The following is an entry in ClinVar:

NM_000027.4(AGA):c.699-25G>C

Gene: AGA (aspartylglucosaminidase; minus strand). Cytogenetic location: 4q34.3.
Variant type: single nucleotide variant.
Coding change: c.699-25G>C on transcript NM_000027.4 (MANE Select); 25 bases into the intron before coding-DNA position 699, G replaced by C.
Molecular consequence: intron variant.
Genome position (GRCh38, 1-based): chr4:177,434,514, C>G on the plus strand (G>C on the coding strand, the complement: AGA is on the minus strand). VCF-style: chr4-177434514-C-G. GRCh37 (hg19) VCF-style: chr4-178355668-C-G.
Other names: c.677-33G>C (NM_001171988.2).
Identifiers: ClinVar variation 558962 (VCV000558962.10), dbSNP rs4690521, ClinGen allele CA3146829.

ClinVar aggregate classification (germline): Benign. Review status: criteria provided, multiple submitters, no conflicts (2 of 4 stars). 4 submissions from 4 submitters: Benign (3). 1 of the submissions does not count toward it. Last evaluated 2021-07-10.

Conditions:
Aspartylglucosaminuria (AGU). Also called: AGA DEFICIENCY; GLYCOASPARAGINASE; GLYCOSYLASPARAGINASE DEFICIENCY; Aspartylglucos-aminuria; Aspartylglucos-amidase (AGA) deficiency. Identifiers: Orphanet 93, MedGen C0268225, MONDO:0008830, OMIM 208400, HP:0012068.

Allele frequency attached by ClinVar (database versions not stated): ESP Exome Variant Server 0.98678; 1000 Genomes Project 30x 0.98813; TOPMed 0.98829; gnomAD 0.98895 and 0.98966; 1000 Genomes Project 0.98902; ExAC 0.99669; gnomAD exomes 0.99743 and 0.99891.
gnomAD v4.1: 1,598,789 of 1,602,042 alleles (100%); highest among the groups gnomAD compares: East Asian, 100%; 797,808 homozygotes.

Submissions (4):

Genome-Nilou Lab
Classification: Benign for Aspartylglucosaminuria. Last evaluated: 2021-07-10. Review status: criteria provided, single submitter. Criteria: ACMG Guidelines, 2015. Collection method: clinical testing. Allele origin: germline. Affected: no.

GeneDx
Classification: Benign. Last evaluated: 2018-06-19. Review status: criteria provided, single submitter. Criteria: GeneDx Variant Classification (06012015). Collection method: clinical testing. Allele origin: germline. Affected: yes.
Comment: This variant is considered likely benign or benign based on one or more of the following criteria: it is a conservative change, it occurs at a poorly conserved position in the protein, it is predicted to be benign by multiple in silico algorithms, and/or has population frequency not consistent with disease.

Breakthrough Genomics
Classification: Benign. Review status: criteria provided, single submitter. Criteria: ACMG Guidelines, 2015. Collection method: not provided. Allele origin: germline. Inheritance: Autosomal recessive inheritance. Affected: yes.

Mayo Clinic Laboratories, Mayo Clinic
Classification: Benign. Last evaluated: 2015-10-22. Review status: no assertion criteria provided. Collection method: clinical testing. Allele origin: unknown. Not counted in ClinVar's aggregate classification.